The following is an entry in ClinVar:

NM_004360.5(CDH1):c.2217G>A (p.Glu739=)

Gene: CDH1 (cadherin 1; plus strand). Cytogenetic location: 16q22.1.
Variant type: single nucleotide variant.
Coding change: c.2217G>A on transcript NM_004360.5 (MANE Select); coding-DNA position 2217, G replaced by A.
Protein change: p.Glu739=; no amino-acid change (glutamic acid 739 retained).
Molecular consequence: synonymous variant.
Genome position (GRCh38, 1-based): chr16:68,828,226, G>A. VCF-style: chr16-68828226-G-A. GRCh37 (hg19) VCF-style: chr16-68862129-G-A.
Other names: c.2034G>A, p.Glu678= (NM_001317184.2); c.669G>A, p.Glu223= (NM_001317185.2); c.252G>A, p.Glu84= (NM_001317186.2).
Identifiers: ClinVar variation 669145 (VCV000669145.15), dbSNP rs1596970771, ClinGen allele CA496157151.

ClinVar aggregate classification (germline): Benign/Likely benign. Review status: criteria provided, multiple submitters, no conflicts (2 of 4 stars). 5 submissions from 5 submitters: Benign (1); Likely benign (4). Last evaluated 2024-09-20.

Conditions:
Hereditary cancer-predisposing syndrome. Also called: Neoplastic Syndromes, Hereditary; Tumor predisposition; Hereditary neoplastic syndrome; Hereditary Cancer Syndrome. Identifiers: Orphanet 140162, MedGen C0027672, MeSH D009386, MONDO:0015356.
Hereditary diffuse gastric adenocarcinoma (HDGC). Also called: DIFFUSE GASTRIC AND LOBULAR BREAST CANCER SYNDROME. Identifiers: Orphanet 26106, MedGen C1708349, MONDO:0007648, OMIM 137215.

Allele frequency attached by ClinVar (database versions not stated): gnomAD exomes below 0.00001.
gnomAD v4.1: 1 of 1,614,008 alleles (0.000062%); highest among the groups gnomAD compares: East Asian, 0.0022%; no homozygotes.

Submissions (5):

Myriad Genetics, Inc.
Classification: Benign for Hereditary diffuse gastric adenocarcinoma. Last evaluated: 2024-09-20. Review status: criteria provided, single submitter. Criteria: Myriad Autosomal Dominant, Autosomal Recessive and X-Linked Classification Criteria (2023). Collection method: clinical testing. Allele origin: unknown.
Comment: This variant is considered benign. This variant is a silent/synonymous amino acid change and it is not expected to impact splicing.

Labcorp Genetics (formerly Invitae), Labcorp
Classification: Likely benign for Hereditary diffuse gastric adenocarcinoma. Last evaluated: 2024-07-29. Review status: criteria provided, single submitter. Criteria: Invitae Variant Classification Sherloc (09022015). Collection method: clinical testing. Allele origin: germline.

Sema4
Classification: Likely benign for Hereditary cancer-predisposing syndrome. Last evaluated: 2020-11-30. Review status: criteria provided, single submitter. Criteria: Sema4 Curation Guidelines. Collection method: curation. Allele origin: germline.

GeneDx
Classification: Likely benign. Last evaluated: 2018-05-25. Review status: criteria provided, single submitter. Criteria: GeneDx Variant Classification (06012015). Collection method: clinical testing. Allele origin: germline. Affected: yes.
Comment: This variant is considered likely benign or benign based on one or more of the following criteria: it is a conservative change, it occurs at a poorly conserved position in the protein, it is predicted to be benign by multiple in silico algorithms, and/or has population frequency not consistent with disease.

Ambry Genetics
Classification: Likely benign for Hereditary cancer-predisposing syndrome. Last evaluated: 2017-12-08. Review status: criteria provided, single submitter. Criteria: Ambry Variant Classification Scheme 2023. Collection method: clinical testing. Allele origin: germline.